The following is an entry in ClinVar:

ClinVar aggregate classification (germline): Likely benign (1 of 4 stars; one submission).

gnomAD v4.1: 1 of 1,613,936 alleles (0.000062%); no homozygotes.

Submission:

CeGaT Center for Human Genetics Tuebingen
Classification: Likely benign. Last evaluated: 2025-12-01. Review status: criteria provided, single submitter. Criteria: CeGaT Center For Human Genetics Tuebingen Variant Classification Criteria Version 2. Collection method: clinical testing. Allele origin: germline. Affected: yes. Observed: 1 variant allele.
Comment: DST: BP4, BP7

NM_001374736.1(DST):c.22824T>C (p.Gly7608=)

Gene: DST (dystonin; minus strand). Cytogenetic location: 6p12.1.
Variant type: single nucleotide variant.
Coding change: c.22824T>C on transcript NM_001374736.1 (MANE Select); coding-DNA position 22824, T replaced by C.
Protein change: p.Gly7608=; no amino-acid change (glycine 7608 retained).
Molecular consequence: synonymous variant.
Genome position (GRCh38, 1-based): chr6:56,463,700, A>G on the plus strand (T>C on the coding strand, the complement: DST is on the minus strand). VCF-style: chr6-56463700-A-G. GRCh37 (hg19) VCF-style: chr6-56328498-A-G.
Other names: c.16395T>C, p.Gly5465= (NM_001144769.5); c.15981T>C, p.Gly5327= (NM_001144770.2); c.22752T>C, p.Gly7584= (NM_001374722.1); c.21864T>C, p.Gly7288= (NM_001374729.1); c.15606T>C, p.Gly5202= (NM_001374730.1); c.22779T>C, p.Gly7593= (NM_001374734.1); c.15843T>C, p.Gly5281= (NM_001386100.1); c.14883T>C, p.Gly4961= (NM_015548.5); and 1 more.
Identifiers: ClinVar variation 4681819 (VCV004681819.5).